The following is an entry in ClinVar:

NM_020759.3(STARD9):c.4747G>T (p.Glu1583Ter)

Gene: STARD9 (StAR related lipid transfer domain containing 9; plus strand). Cytogenetic location: 15q15.2.
Variant type: single nucleotide variant.
Coding change: c.4747G>T on transcript NM_020759.3 (MANE Select); coding-DNA position 4747, G replaced by T.
Protein change: p.Glu1583Ter; replaces glutamic acid 1583 with a stop codon.
Molecular consequence: nonsense.
Genome position (GRCh38, 1-based): chr15:42,686,325, G>T. VCF-style: chr15-42686325-G-T. GRCh37 (hg19) VCF-style: chr15-42978523-G-T.
Other names: short protein forms E1583*.
Identifiers: ClinVar variation 4293184 (VCV004293184.1).

ClinVar aggregate classification (germline): Uncertain significance (1 of 4 stars; one submission).

Conditions:
STARD9-related disorder. Also called: STARD9-related condition.

Submission:

3billion
Classification: Uncertain significance for STARD9-related disorder. Last evaluated: 2024-07-09. Review status: criteria provided, single submitter. Criteria: ACMG Guidelines, 2015. Collection method: clinical testing. Allele origin: germline. Affected: yes.
Comment: The variant is not observed in the gnomAD v4.0.0 dataset. Predicted Consequence/Location: Stop-gained (nonsense): predicted to result in a loss or disruption of normal protein function through nonsense-mediated decay (NMD) or protein truncation. Multiple pathogenic variants are reported downstream of the variant. Therefore, this variant is classified as VUS according to the recommendation of ACMG/AMP guideline.